The following is an entry in ClinVar:

ClinVar aggregate classification (germline): Uncertain significance. Review status: criteria provided, multiple submitters, no conflicts (2 of 4 stars). 4 submissions from 4 submitters: Uncertain significance (4). Last evaluated 2024-08-13.

Conditions:
Hereditary cancer-predisposing syndrome. Also called: Neoplastic Syndromes, Hereditary; Tumor predisposition; Hereditary Cancer Syndrome; Hereditary neoplastic syndrome. Identifiers: Orphanet 140162, MedGen C0027672, MeSH D009386, MONDO:0015356.
Hereditary breast ovarian cancer syndrome. Also called: Hereditary breast and ovarian cancer; Hereditary breast and/or ovarian cancer syndrome; BRCA1- and BRCA2-Associated Hereditary Breast and Ovarian Cancer; Hereditary breast and ovarian cancer syndrome (HBOC); Hereditary breast and ovarian cancer syndrome; Breast and ovarian cancer. Identifiers: Orphanet 145, MedGen C0677776, MeSH D061325, MONDO:0003582. Disease mechanism: loss of function.

Submissions (4):

German Consortium for Hereditary Breast and Ovarian Cancer, University Hospital Cologne
Classification: Uncertain significance for Hereditary breast ovarian cancer syndrome. Last evaluated: 2024-08-13. Review status: criteria provided, single submitter. Criteria: ClinGen BRCA2 V1.1.0. Collection method: curation. Allele origin: germline.
Comment: According to the ClinGen ENIGMA BRCA2 v1.1.0 criteria we chose these criteria: PS3 (strong pathogenic): Richardson 2021 damaging, PM2 (supporting pathogenic): GnomAD v2-3 neg, BP4 (supporting benign): Variant is predicted to be benign by BayesDel (threshold: 0.18, value: -0.128745).

Labcorp Genetics (formerly Invitae), Labcorp
Classification: Uncertain significance for Hereditary breast ovarian cancer syndrome. Last evaluated: 2023-10-25. Review status: criteria provided, single submitter. Criteria: Invitae Variant Classification Sherloc (09022015). Collection method: clinical testing. Allele origin: germline.
Comment: This sequence change replaces leucine, which is neutral and non-polar, with proline, which is neutral and non-polar, at codon 2753 of the BRCA2 protein (p.Leu2753Pro). This variant is not present in population databases (gnomAD no frequency). This missense change has been observed in individual(s) with breast cancer and/or ovarian cancer (PMID: 32438681). ClinVar contains an entry for this variant (Variation ID: 186962). Advanced modeling performed at Invitae incorporating data from internal and/or published experimental studies (PMID: 33609447) indicates that this missense variant is expected to disrupt BRCA2 function with a positive predictive value of 95%. In summary, the available evidence is currently insufficient to determine the role of this variant in disease. Therefore, it has been classified as a Variant of Uncertain Significance.

Ambry Genetics
Classification: Uncertain significance for Hereditary cancer-predisposing syndrome. Last evaluated: 2022-01-09. Review status: criteria provided, single submitter. Criteria: Ambry Variant Classification Scheme 2023. Collection method: clinical testing. Allele origin: germline.
Comment: The p.L2753P variant (also known as c.8258T>C), located in coding exon 17 of the BRCA2 gene, results from a T to C substitution at nucleotide position 8258. The leucine at codon 2753 is replaced by proline, an amino acid with similar properties. This alteration was identified in a cohort of individuals diagnosed with breast and/or ovarian cancer (Santonocito C et al. Cancers (Basel), 2020 May;12:). This variant was non-functional in a homology-directed DNA repair (HDR) assay (Ambry internal data; Richardson ME et al. Am J Hum Genet, 2021 03;108:458-468). This amino acid position is poorly conserved in available vertebrate species. In addition, the in silico prediction for this alteration is inconclusive. Since supporting evidence is conflicting at this time, the clinical significance of this alteration remains unclear.

Color Diagnostics, LLC DBA Color Health
Classification: Uncertain significance for Hereditary cancer-predisposing syndrome. Last evaluated: 2021-08-12. Review status: criteria provided, single submitter. Criteria: ACMG Guidelines, 2015. Collection method: clinical testing. Allele origin: germline.
Comment: This missense variant replaces leucine with proline at codon 2753 of the BRCA2 protein. Computational prediction is inconclusive regarding the impact of this variant on protein structure and function (internally defined REVEL score threshold 0.5 < inconclusive < 0.7, PMID: 27666373). A functional study has reported that this variant impacts BRCA2 function in a homology-directed DNA repair assay (PMID: 33609447). This variant has been reported in an individual affected with breast and/or ovarian cancer (PMID: 32438681). This variant has not been identified in the general population by the Genome Aggregation Database (gnomAD). The available evidence is insufficient to determine the role of this variant in disease conclusively. Therefore, this variant is classified as a Variant of Uncertain Significance.

Literature cited by the submitters: PubMed 32438681 (cited by Labcorp Genetics (formerly Invitae), Labcorp and Ambry Genetics); PubMed 33609447 (cited by Labcorp Genetics (formerly Invitae), Labcorp and Ambry Genetics); PubMed 32123317 (cited by Ambry Genetics).

NM_000059.4(BRCA2):c.8258T>C (p.Leu2753Pro)

Gene: BRCA2 (BRCA2 DNA repair associated; plus strand). Cytogenetic location: 13q13.1.
Variant type: single nucleotide variant.
Coding change: c.8258T>C on transcript NM_000059.4 (MANE Select); coding-DNA position 8258, T replaced by C.
Protein change: p.Leu2753Pro; replaces leucine 2753 with proline.
Molecular consequence: missense variant.
Genome position (GRCh38, 1-based): chr13:32,363,460, T>C. VCF-style: chr13-32363460-T-C. GRCh37 (hg19) VCF-style: chr13-32937597-T-C.
Other names: short protein forms L2753P.
Identifiers: ClinVar variation 186962 (VCV000186962.17), dbSNP rs786203357, ClinGen allele CA025543.